The following is an entry in ClinVar:

NM_001458.5(FLNC):c.2075T>C (p.Ile692Thr)

Gene: FLNC (filamin C; plus strand). Cytogenetic location: 7q32.1.
Variant type: single nucleotide variant.
Coding change: c.2075T>C on transcript NM_001458.5 (MANE Select); coding-DNA position 2075, T replaced by C.
Protein change: p.Ile692Thr; replaces isoleucine 692 with threonine.
Molecular consequence: missense variant.
Genome position (GRCh38, 1-based): chr7:128,841,521, T>C. VCF-style: chr7-128841521-T-C. GRCh37 (hg19) VCF-style: chr7-128481575-T-C.
Other names: c.2075T>C, p.Ile692Thr (NM_001127487.2); short protein forms I692T.
Identifiers: ClinVar variation 583051 (VCV000583051.16), dbSNP rs538863259, ClinGen allele CA4474583.

ClinVar aggregate classification (germline): Conflicting classifications of pathogenicity. Review status: criteria provided, conflicting classifications (1 of 4 stars). 6 submissions from 6 submitters: Uncertain significance (4); Likely benign (2). Last evaluated 2026-01-21.

Conditions:
Myofibrillar myopathy 5. Also called: Filaminopathy (type); FILAMINOPATHY, AUTOSOMAL DOMINANT. Identifiers: Orphanet 171445, MedGen C1836050, MONDO:0012289, OMIM 609524.
Hypertrophic cardiomyopathy 26. Also called: Cardiomyopathy, familial hypertrophic, 26. Identifiers: Orphanet 75249, MedGen C4310749, MONDO:0014883, OMIM 617047.
Distal myopathy with posterior leg and anterior hand involvement. Also called: WILLIAMS DISTAL MYOPATHY. Identifiers: Orphanet 63273, MedGen C3279722, MONDO:0013550, OMIM 614065.
Cardiovascular phenotype. Identifiers: MedGen CN230736.

Allele frequency attached by ClinVar (database versions not stated): gnomAD exomes 0.00004 and 0.00003; ExAC 0.00005; gnomAD 0.00005 and 0.00004; TOPMed 0.00003.
gnomAD v4.1: 68 of 1,614,196 alleles (0.0042%); highest among the groups gnomAD compares: Middle Eastern, 0.016%; no homozygotes.

Submissions (6):

Labcorp Genetics (formerly Invitae), Labcorp
Classification: Likely benign for Distal myopathy with posterior leg and anterior hand involvement; Myofibrillar myopathy 5; Hypertrophic cardiomyopathy 26. Last evaluated: 2026-01-21. Review status: criteria provided, single submitter. Criteria: Invitae Variant Classification Sherloc (09022015). Collection method: clinical testing. Allele origin: germline.

ARUP Laboratories, Molecular Genetics and Genomics, ARUP Laboratories
Classification: Uncertain significance. Last evaluated: 2024-02-06. Review status: criteria provided, single submitter. Criteria: ARUP Molecular Germline Variant Investigation Process 2024. Collection method: clinical testing. Allele origin: germline.
Comment: The FLNC c.2075T>C; p.Ile692Thr variant (rs538863259), to our knowledge, is not reported in the medical literature but is reported in ClinVar (Variation ID: 583051). This variant is found in the general population with an overall allele frequency of 0.003% (9/280,974 alleles) in the Genome Aggregation Database (v2.1.1). Computational analyses predict that this variant is deleterious (REVEL: 0.796). Due to limited information, the clinical significance of this variant is uncertain at this time.

Ambry Genetics
Classification: Uncertain significance for Cardiovascular phenotype. Last evaluated: 2024-01-20. Review status: criteria provided, single submitter. Criteria: Ambry Variant Classification Scheme 2023. Collection method: clinical testing. Allele origin: germline.
Comment: The p.I692T variant (also known as c.2075T>C), located in coding exon 13 of the FLNC gene, results from a T to C substitution at nucleotide position 2075. The isoleucine at codon 692 is replaced by threonine, an amino acid with similar properties. This amino acid position is conserved. In addition, the in silico prediction for this alteration is inconclusive. Since supporting evidence is limited at this time, the clinical significance of this alteration remains unclear.

GeneDx
Classification: Uncertain significance. Last evaluated: 2023-08-03. Review status: criteria provided, single submitter. Criteria: GeneDx Variant Classification Process June 2021. Collection method: clinical testing. Allele origin: germline. Affected: yes.
Comment: In silico analysis supports that this missense variant has a deleterious effect on protein structure/function; Has not been previously published as pathogenic or benign to our knowledge

Blueprint Genetics
Classification: Likely benign. Last evaluated: 2021-10-08. Review status: criteria provided, single submitter. Criteria: ACMG Guidelines, 2015. Collection method: clinical testing. Allele origin: germline.

Revvity Omics, Revvity
Classification: Uncertain significance. Last evaluated: 2021-05-27. Review status: criteria provided, single submitter. Criteria: ACMG Guidelines, 2015. Collection method: clinical testing. Allele origin: germline.